The following is an entry in ClinVar:

NM_183050.4(BCKDHB):c.*994G>A

Gene: BCKDHB (branched chain keto acid dehydrogenase E1 subunit beta; plus strand). Cytogenetic location: 6q14.1.
Variant type: single nucleotide variant.
Coding change: c.*994G>A on transcript NM_183050.4 (MANE Select); 994 bases downstream of the stop codon, G replaced by A.
Molecular consequence: 3 prime UTR variant. On other transcripts: non-coding transcript variant (1), intron variant (1).
Genome position (GRCh38, 1-based): chr6:80,344,798, G>A. VCF-style: chr6-80344798-G-A. GRCh37 (hg19) VCF-style: chr6-81054515-G-A.
Other names: c.*994G>A (NM_001318975.1); c.*8+986G>A (NM_000056.5).
Identifiers: ClinVar variation 358196 (VCV000358196.5), dbSNP rs4502885, ClinGen allele CA10624844.

ClinVar aggregate classification (germline): Benign (1 of 4 stars; one submission).

Conditions:
Maple syrup urine disease (MSUD). Identifiers: Orphanet 511, MedGen C0024776, MeSH D008375, MONDO:0009563. Disease mechanism: loss of function.

Allele frequency attached by ClinVar (database versions not stated): TOPMed 0.77889; gnomAD 0.78179 and 0.77662; 1000 Genomes Project 0.71526; 1000 Genomes Project 30x 0.71814.

Submission:

Illumina Laboratory Services, Illumina
Classification: Benign for Maple syrup urine disease type 1A. Last evaluated: 2018-01-13. Review status: criteria provided, single submitter. Criteria: ICSL Variant Classification Criteria 13 December 2019. Collection method: clinical testing. Allele origin: germline.
Comment: This variant was observed in the ICSL laboratory as part of a predisposition screen in an ostensibly healthy population. It had not been previously curated by ICSL or reported in the Human Gene Mutation Database (HGMD: prior to June 1st, 2018), and was therefore a candidate for classification through an automated scoring system. Utilizing variant allele frequency, disease prevalence and penetrance estimates, and inheritance mode, an automated score was calculated to assess if this variant is too frequent to cause the disease. Based on the score and internal cut-off values, a variant classified as benign is not then subjected to further curation. The score for this variant resulted in a classification of benign for this disease.